The following is an entry in ClinVar:

NM_015335.5(MED13L):c.5457G>A (p.Ala1819=)

Gene: MED13L (mediator complex subunit 13L; minus strand). Cytogenetic location: 12q24.21.
Variant type: single nucleotide variant.
Coding change: c.5457G>A on transcript NM_015335.5 (MANE Select); coding-DNA position 5457, G replaced by A.
Protein change: p.Ala1819=; no amino-acid change (alanine 1819 retained).
Molecular consequence: synonymous variant.
Genome position (GRCh38, 1-based): chr12:115,975,646, C>T on the plus strand (G>A on the coding strand, the complement: MED13L is on the minus strand). VCF-style: chr12-115975646-C-T. GRCh37 (hg19) VCF-style: chr12-116413451-C-T.
Other names: c.5457G>A (NM_015335.4).
Identifiers: ClinVar variation 2712053 (VCV002712053.18), dbSNP rs749664477, ClinGen allele CA6810585.

ClinVar aggregate classification (germline): Likely benign. Review status: criteria provided, multiple submitters, no conflicts (2 of 4 stars). 3 submissions from 3 submitters: Likely benign (2). 1 of the submissions does not count toward it. Last evaluated 2024-10-01.

Conditions:
MED13L-related disorder. Also called: MED13L-related condition.
Dextro-looped transposition of the great arteries. Also called: Dextrotransposition of the great arteries. Identifiers: Orphanet 860, MedGen C3531771, MONDO:0019443, OMIM 608808, HP:0031348.

Allele frequency attached by ClinVar (database versions not stated): ExAC 0.00001; gnomAD 0.00001; gnomAD exomes 0.00001; TOPMed 0.00002.
gnomAD v4.1: 19 of 1,613,900 alleles (0.0012%); highest among the groups gnomAD compares: Non-Finnish European, 0.0015%; no homozygotes.

Submissions (3):

CeGaT Center for Human Genetics Tuebingen
Classification: Likely benign. Last evaluated: 2024-10-01. Review status: criteria provided, single submitter. Criteria: CeGaT Center For Human Genetics Tuebingen Variant Classification Criteria Version 2. Collection method: clinical testing. Allele origin: germline. Affected: yes. Observed: 1 variant allele.
Comment: MED13L: BP4, BP7

Labcorp Genetics (formerly Invitae), Labcorp
Classification: Likely benign for Dextro-looped transposition of the great arteries. Last evaluated: 2023-11-06. Review status: criteria provided, single submitter. Criteria: Invitae Variant Classification Sherloc (09022015). Collection method: clinical testing. Allele origin: germline.

PreventionGenetics, part of Exact Sciences
Classification: Likely benign for MED13L-related condition. Last evaluated: 2019-05-23. Review status: no assertion criteria provided. Collection method: clinical testing. Allele origin: germline. Not counted in ClinVar's aggregate classification.
Comment: This variant is classified as likely benign based on ACMG/AMP sequence variant interpretation guidelines (Richards et al. 2015 PMID: 25741868, with internal and published modifications).